The following is an entry in ClinVar:

NM_001347721.2(DYRK1A):c.1645-4T>A

Gene: DYRK1A (dual specificity tyrosine phosphorylation regulated kinase 1A; plus strand). Cytogenetic location: 21q22.13.
Variant type: single nucleotide variant.
Coding change: c.1645-4T>A on transcript NM_001347721.2 (MANE Select); 4 bases into the intron before coding-DNA position 1645, T replaced by A.
Molecular consequence: intron variant.
Genome position (GRCh38, 1-based): chr21:37,511,907, T>A. VCF-style: chr21-37511907-T-A. GRCh37 (hg19) VCF-style: chr21-38884210-T-A.
Other names: c.1672-4T>A (NM_001396.5); c.1645-4T>A (NM_001347722.2, NM_130436.2); c.1558-4T>A (NM_001347723.2); c.*48-4T>A (NM_101395.2); c.1547-4T>A (NM_130438.2).
Identifiers: ClinVar variation 4682310 (VCV004682310.1).
Genomic context (GRCh38, chr21:37,511,907, plus strand): 5'-TGATGGAAGATTAAAGCTTGGAAACAGTCCTCTGAAAAATCCTTTTAAAAATCTGTTCTT[T>A]CAGGTGCGTCAGCAATTTCCTGCTCCTCTTGGTTGGTCAGGCACTGAAGCTCCTACACAG-3'

ClinVar aggregate classification (germline): Uncertain significance (1 of 4 stars; one submission).

Submission:

Athena Diagnostics
Classification: Uncertain significance. Last evaluated: 2025-02-06. Review status: criteria provided, single submitter. Criteria: Athena Diagnostics Criteria. Collection method: clinical testing. Allele origin: unknown.
Comment: Available data are insufficient to determine the clinical significance of the variant at this time. This variant has not been reported in large, multi-ethnic general populations. Computational tools yielded predictions that this variant is unlikely to have an effect on normal RNA splicing.